The following is an entry in ClinVar:

NM_001374353.1(GLI2):c.1298C>T (p.Thr433Ile)

Gene: GLI2 (GLI family zinc finger 2; plus strand). Cytogenetic location: 2q14.2.
Variant type: single nucleotide variant.
Coding change: c.1298C>T on transcript NM_001374353.1 (MANE Select); coding-DNA position 1298, C replaced by T.
Protein change: p.Thr433Ile; replaces threonine 433 with isoleucine.
Molecular consequence: missense variant.
Genome position (GRCh38, 1-based): chr2:120,975,090, C>T. VCF-style: chr2-120975090-C-T. GRCh37 (hg19) VCF-style: chr2-121732666-C-T.
Other names: c.1349C>T, p.Thr450Ile (NM_001371271.1, NM_005270.5); c.923C>T, p.Thr308Ile (NM_001374354.1); short protein forms T308I, T433I, T450I.
Identifiers: ClinVar variation 1723270 (VCV001723270.1), dbSNP rs2467712917, ClinGen allele CA348161307.

ClinVar aggregate classification (germline): Uncertain significance (1 of 4 stars; one submission).

gnomAD v4.1: 1 of 1,613,980 alleles (0.000062%); highest among the groups gnomAD compares: Non-Finnish European, 0.000085%; no homozygotes.

Submission:

Women's Health and Genetics/Laboratory Corporation of America, LabCorp
Classification: Uncertain significance. Last evaluated: 2022-10-02. Review status: criteria provided, single submitter. Criteria: LabCorp Variant Classification Summary - May 2015. Collection method: clinical testing. Allele origin: germline.
Comment: Variant summary: GLI2 c.1349C>T (p.Thr450Ile) results in a non-conservative amino acid change located in the Zinc finger C2H2-type domain (IPR013087) of the encoded protein sequence. Five of five in-silico tools predict a damaging effect of the variant on protein function. The variant was absent in 251266 control chromosomes (gnomAD). The available data on variant occurrences in the general population are insufficient to allow any conclusion about variant significance. To our knowledge, no occurrence of c.1349C>T in individuals affected with GLI2-Related Disorders and no experimental evidence demonstrating its impact on protein function have been reported. No clinical diagnostic laboratories have submitted clinical-significance assessments for this variant to ClinVar after 2014. Based on the evidence outlined above, the variant was classified as uncertain significance.